The following is an entry in ClinVar:

ClinVar aggregate classification (germline): Uncertain significance. Review status: criteria provided, multiple submitters, no conflicts (2 of 4 stars). 5 submissions from 5 submitters: Uncertain significance (5). Last evaluated 2025-12-13.

Conditions:
Myofibrillar myopathy 5. Also called: Filaminopathy (type); FILAMINOPATHY, AUTOSOMAL DOMINANT. Identifiers: Orphanet 171445, MedGen C1836050, MONDO:0012289, OMIM 609524.
Hypertrophic cardiomyopathy 26. Also called: Cardiomyopathy, familial hypertrophic, 26. Identifiers: Orphanet 75249, MedGen C4310749, MONDO:0014883, OMIM 617047.
Distal myopathy with posterior leg and anterior hand involvement. Also called: WILLIAMS DISTAL MYOPATHY. Identifiers: Orphanet 63273, MedGen C3279722, MONDO:0013550, OMIM 614065.
Cardiovascular phenotype. Identifiers: MedGen CN230736.

Allele frequency attached by ClinVar (database versions not stated): gnomAD exomes below 0.00001; TOPMed 0.00001; gnomAD 0.00002.
gnomAD v4.1: 9 of 1,612,922 alleles (0.00056%); highest among the groups gnomAD compares: Non-Finnish European, 0.00076%; no homozygotes.

Submissions (5):

Labcorp Genetics (formerly Invitae), Labcorp
Classification: Uncertain significance for Distal myopathy with posterior leg and anterior hand involvement; Myofibrillar myopathy 5; Hypertrophic cardiomyopathy 26. Last evaluated: 2025-12-13. Review status: criteria provided, single submitter. Criteria: Invitae Variant Classification Sherloc (09022015). Collection method: clinical testing. Allele origin: germline.
Comment: This sequence change replaces aspartic acid, which is acidic and polar, with glycine, which is neutral and non-polar, at codon 59 of the FLNC protein (p.Asp59Gly). This variant is not present in population databases (gnomAD no frequency). This variant has not been reported in the literature in individuals affected with FLNC-related conditions. ClinVar contains an entry for this variant (Variation ID: 570658). Invitae Evidence Modeling of protein sequence and biophysical properties (such as structural, functional, and spatial information, amino acid conservation, physicochemical variation, residue mobility, and thermodynamic stability) has been performed for this missense variant. However, the output from this modeling did not meet the statistical confidence thresholds required to predict the impact of this variant on FLNC protein function. In summary, the available evidence is currently insufficient to determine the role of this variant in disease. Therefore, it has been classified as a Variant of Uncertain Significance.

Ambry Genetics
Classification: Uncertain significance for Cardiovascular phenotype. Last evaluated: 2025-08-03. Review status: criteria provided, single submitter. Criteria: Ambry Variant Classification Scheme 2023. Collection method: clinical testing. Allele origin: germline.
Comment: The p.D59G variant (also known as c.176A>G), located in coding exon 1 of the FLNC gene, results from an A to G substitution at nucleotide position 176. The aspartic acid at codon 59 is replaced by glycine, an amino acid with similar properties. This amino acid position is conserved. In addition, the in silico prediction for this alteration is inconclusive. Based on the available evidence, the clinical significance of this variant remains unclear.

Blueprint Genetics
Classification: Uncertain significance. Last evaluated: 2022-07-20. Review status: criteria provided, single submitter. Criteria: ACMG Guidelines, 2015. Collection method: clinical testing. Allele origin: germline.

Revvity Omics, Revvity
Classification: Uncertain significance. Last evaluated: 2021-07-09. Review status: criteria provided, single submitter. Criteria: ACMG Guidelines, 2015. Collection method: clinical testing. Allele origin: germline.

GeneDx
Classification: Uncertain significance. Last evaluated: 2021-02-24. Review status: criteria provided, single submitter. Criteria: GeneDx Variant Classification Process June 2021. Collection method: clinical testing. Allele origin: germline. Affected: yes.
Comment: Has not been previously published as pathogenic or benign to our knowledge; Reported in ClinVar as a variant of uncertain significance (ClinVar Variant ID# 570658; Landrum et al., 2016); Not observed in large population cohorts (Lek et al., 2016); In silico analysis supports that this missense variant has a deleterious effect on protein structure/function

NM_001458.5(FLNC):c.176A>G (p.Asp59Gly)

Gene: FLNC (filamin C; plus strand). Cytogenetic location: 7q32.1.
Variant type: single nucleotide variant.
Coding change: c.176A>G on transcript NM_001458.5 (MANE Select); coding-DNA position 176, A replaced by G.
Protein change: p.Asp59Gly; replaces aspartic acid 59 with glycine.
Molecular consequence: missense variant.
Genome position (GRCh38, 1-based): chr7:128,830,813, A>G. VCF-style: chr7-128830813-A-G. GRCh37 (hg19) VCF-style: chr7-128470867-A-G.
Other names: c.176A>G, p.Asp59Gly (NM_001127487.2); short protein forms D59G.
Identifiers: ClinVar variation 570658 (VCV000570658.17), dbSNP rs1164296903, ClinGen allele CA369216209.